The following is an entry in ClinVar:

ClinVar aggregate classification (germline): Pathogenic. Review status: criteria provided, multiple submitters, no conflicts (2 of 4 stars). 2 submissions from 2 submitters: Pathogenic (2). Last evaluated 2025-10-05.

Conditions:
Hereditary spastic paraplegia 15 (SPG15). Also called: SPASTIC PARAPLEGIA AND RETINAL DEGENERATION; SPASTIC PARAPLEGIA 15, AUTOSOMAL RECESSIVE; KJELLIN SYNDROME. Identifiers: Orphanet 100996, MedGen C1849128, MONDO:0010044, OMIM 270700.
Spastic paraplegia. Identifiers: MedGen C0037772, HP:0001258.

Submissions (2):

Myriad Genetics, Inc.
Classification: Pathogenic for Hereditary spastic paraplegia 15. Last evaluated: 2025-10-05. Review status: criteria provided, single submitter. Criteria: Myriad Autosomal Dominant, Autosomal Recessive and X-Linked Classification Criteria (2023). Collection method: clinical testing. Allele origin: unknown.
Comment: NM_015346.3(ZFYVE26):c.1354delA(T452Qfs*38) is expected to be pathogenic in the context of spastic paraplegia type 15. This variant is predicted to lead to an abnormal or absent protein product due to the creation of a premature termination codon in ZFYVE26, a gene where loss-of-function variants are known to be pathogenic. Please note: this variant was assessed in the context of healthy population screening.

Labcorp Genetics (formerly Invitae), Labcorp
Classification: Pathogenic for Spastic paraplegia. Last evaluated: 2021-04-08. Review status: criteria provided, single submitter. Criteria: Invitae Variant Classification Sherloc (09022015). Collection method: clinical testing. Allele origin: germline.
Comment: For these reasons, this variant has been classified as Pathogenic. This variant has not been reported in the literature in individuals with ZFYVE26-related conditions. This variant is not present in population databases (ExAC no frequency). This sequence change creates a premature translational stop signal (p.Thr452Glnfs*38) in the ZFYVE26 gene. It is expected to result in an absent or disrupted protein product. Loss-of-function variants in ZFYVE26 are known to be pathogenic (PMID: 18394578, 19805727).

Literature cited by the submitters: PubMed 18394578 (cited by Labcorp Genetics (formerly Invitae), Labcorp); PubMed 19805727 (cited by Labcorp Genetics (formerly Invitae), Labcorp).

NM_015346.4(ZFYVE26):c.1354del (p.Thr452fs)

Gene: ZFYVE26 (zinc finger FYVE-type containing 26; minus strand). Cytogenetic location: 14q24.1.
Variant type: Deletion.
Coding change: c.1354del on transcript NM_015346.4 (MANE Select); coding-DNA position 1354, one base deleted (A; older notation c.1354delA).
Protein change: p.Thr452fs; shifts the reading frame from threonine 452.
Molecular consequence: frameshift variant.
Genome position (GRCh38, 1-based): chr14:67,804,182, T deleted on the plus strand (A on the coding strand, the reverse complement: ZFYVE26 is on the minus strand). VCF-style (leftmost placement, unchanged base first): chr14-67804181-GT-G. GRCh37 (hg19) VCF-style: chr14-68270898-GT-G.
Other names: short protein forms T452fs.
Identifiers: ClinVar variation 1375947 (VCV001375947.7), dbSNP rs2140248598, ClinGen allele CA2573150123.